The following is an entry in ClinVar:

NM_000256.3(MYBPC3):c.2424G>A (p.Leu808=)

Gene: MYBPC3 (myosin binding protein C3; minus strand). Cytogenetic location: 11p11.2.
Variant type: single nucleotide variant.
Coding change: c.2424G>A on transcript NM_000256.3 (MANE Select); coding-DNA position 2424, G replaced by A.
Protein change: p.Leu808=; no amino-acid change (leucine 808 retained).
Molecular consequence: synonymous variant.
Genome position (GRCh38, 1-based): chr11:47,337,569, C>T on the plus strand (G>A on the coding strand, the complement: MYBPC3 is on the minus strand). VCF-style: chr11-47337569-C-T. GRCh37 (hg19) VCF-style: chr11-47359120-C-T.
Identifiers: ClinVar variation 4776886 (VCV004776886.1).

ClinVar aggregate classification (germline): Uncertain significance (1 of 4 stars; one submission).

Conditions:
Hypertrophic cardiomyopathy. Also called: HYPERTROPHIC MYOCARDIOPATHY. Identifiers: Orphanet 217569, MedGen C0007194, MeSH D002312, MONDO:0005045, HP:0001639.

Submission:

Labcorp Genetics (formerly Invitae), Labcorp
Classification: Uncertain significance for Hypertrophic cardiomyopathy. Last evaluated: 2025-03-24. Review status: criteria provided, single submitter. Criteria: Invitae Variant Classification Sherloc (09022015). Collection method: clinical testing. Allele origin: germline.
Comment: This sequence change affects codon 808 of the MYBPC3 mRNA. It is a 'silent' change, meaning that it does not change the encoded amino acid sequence of the MYBPC3 protein. This variant is not present in population databases (gnomAD no frequency). This variant has not been reported in the literature in individuals affected with MYBPC3-related conditions. Algorithms developed to predict the effect of sequence changes on RNA splicing suggest that this variant may disrupt the consensus splice site. In summary, the available evidence is currently insufficient to determine the role of this variant in disease. Therefore, it has been classified as a Variant of Uncertain Significance.